The following is an entry in ClinVar:

ClinVar aggregate classification (germline): Conflicting classifications of pathogenicity. Review status: criteria provided, conflicting classifications (1 of 4 stars). 10 submissions from 10 submitters: Uncertain significance (1); Likely benign (4). 5 of the submissions do not count toward it. Last evaluated 2026-01-26.

Conditions:
COL4A3-related disorder. Also called: COL4A3-related condition; COL4A3-Related Disorders.
Inborn genetic diseases. Identifiers: MedGen C0950123, MeSH D030342.
Alport syndrome. Also called: Hemorrhagic familial nephritis; Hemorrhagic hereditary nephritis; Congenital hereditary hematuria. Identifiers: Orphanet 63, MedGen C1567741, MONDO:0018965.
Autosomal dominant Alport syndrome (ATS3A). Also called: ALPORT SYNDROME 3A, AUTOSOMAL DOMINANT; Alport syndrome dominant type; Renal failure and sensorineural hearing loss. Identifiers: Orphanet 63, Orphanet 88918, MedGen C5882663, MONDO:0007086, OMIM 104200.
Autosomal recessive Alport syndrome (ATS2). Also called: COL4A4 Alport Syndrome and Thin Basement Membrane Nephropathy; ALPORT SYNDROME 2, AUTOSOMAL RECESSIVE; COL4A3-Related Nephropathy; Alport syndrome type 2. Identifiers: Orphanet 63, Orphanet 88919, MedGen C4746745, MONDO:0008762, OMIM 203780.
Benign familial hematuria. Also called: thin basement membrane disease. Identifiers: MedGen C0241908, MONDO:0957317.

Allele frequency attached by ClinVar (database versions not stated): gnomAD 0.00004 and 0.00005; TOPMed 0.00006; gnomAD exomes 0.00005 and 0.00010; ExAC 0.00008.
gnomAD v4.1: 103 of 1,613,420 alleles (0.0064%); highest among the groups gnomAD compares: East Asian, 0.14%; 2 homozygotes.

Submissions (10):

Labcorp Genetics (formerly Invitae), Labcorp
Classification: Likely benign. Last evaluated: 2026-01-26. Review status: criteria provided, single submitter. Criteria: Invitae Variant Classification Sherloc (09022015). Collection method: clinical testing. Allele origin: germline.

Ambry Genetics
Classification: Likely benign for Inborn genetic diseases. Last evaluated: 2024-08-13. Review status: criteria provided, single submitter. Criteria: Ambry Variant Classification Scheme 2023. Collection method: clinical testing. Allele origin: germline.

GeneDx
Classification: Uncertain significance. Last evaluated: 2024-07-08. Review status: criteria provided, single submitter. Criteria: GeneDx Variant Classification Process June 2021. Collection method: clinical testing. Allele origin: germline. Affected: yes.
Comment: In silico analysis indicates that this variant does not alter splicing; Has not been previously published as pathogenic or benign to our knowledge

Blueprint Genetics
Classification: Likely benign. Last evaluated: 2023-09-25. Review status: criteria provided, single submitter. Criteria: ACMG Guidelines, 2015. Collection method: clinical testing. Allele origin: germline.

Fulgent Genetics
Classification: Likely benign for Autosomal dominant Alport syndrome; Hematuria, benign familial, 1; Autosomal recessive Alport syndrome. Last evaluated: 2021-09-15. Review status: criteria provided, single submitter. Criteria: ACMG Guidelines, 2015. Collection method: clinical testing. Allele origin: unknown.

PreventionGenetics, part of Exact Sciences
Classification: Likely benign for COL4A3-related condition. Last evaluated: 2022-12-20. Review status: no assertion criteria provided. Collection method: clinical testing. Allele origin: germline. Not counted in ClinVar's aggregate classification.
Comment: This variant is classified as likely benign based on ACMG/AMP sequence variant interpretation guidelines (Richards et al. 2015 PMID: 25741868, with internal and published modifications).

Natera, Inc.
Classification: Uncertain significance for Alport syndrome. Last evaluated: 2020-01-24. Review status: no assertion criteria provided. Collection method: clinical testing. Allele origin: germline. Not counted in ClinVar's aggregate classification.

Clinical Genetics DNA and cytogenetics Diagnostics Lab, Erasmus MC, Erasmus Medical Center
Classification: Likely benign. Review status: no assertion criteria provided. Collection method: clinical testing. Allele origin: germline. Affected: yes. Study: VKGL Data-share Consensus. Not counted in ClinVar's aggregate classification.

Genome Diagnostics Laboratory, University Medical Center Utrecht
Classification: Likely benign. Review status: no assertion criteria provided. Collection method: clinical testing. Allele origin: germline. Affected: yes. Study: VKGL Data-share Consensus. Not counted in ClinVar's aggregate classification.

Joint Genome Diagnostic Labs from Nijmegen and Maastricht, Radboudumc and MUMC+
Classification: Likely benign. Review status: no assertion criteria provided. Collection method: clinical testing. Allele origin: germline. Affected: yes. Study: VKGL Data-share Consensus. Not counted in ClinVar's aggregate classification.

NM_000091.5(COL4A3):c.934-6C>A

Genes: COL4A3 (collagen type IV alpha 3 chain; plus strand), MFF-DT (MFF divergent transcript; minus strand). Cytogenetic location: 2q36.3.
Variant type: single nucleotide variant.
Coding change: c.934-6C>A on transcript NM_000091.5 (MANE Select); 6 bases into the intron before coding-DNA position 934, C replaced by A.
Molecular consequence: intron variant.
Genome position (GRCh38, 1-based): chr2:227,256,337, C>A. VCF-style: chr2-227256337-C-A. GRCh37 (hg19) VCF-style: chr2-228121053-C-A.
Identifiers: ClinVar variation 725025 (VCV000725025.22), dbSNP rs369438839, ClinGen allele CA2146444.